The following is an entry in ClinVar:

ClinVar aggregate classification (germline): not provided (0 of 4 stars; one submission).

Allele frequency attached by ClinVar (database versions not stated): gnomAD exomes below 0.00001.
gnomAD v4.1: 1 of 1,611,500 alleles (0.000062%); highest among the groups gnomAD compares: Admixed American, 0.0017%; no homozygotes.

Submission:

ITMI
No classification provided. Condition: AllHighlyPenetrant. Last evaluated: 2013-09-19. Review status: no classification provided. Collection method: reference population. Allele origin: germline.
Comment: Please see associated publication for description of ethnicities

Literature cited by the submitters: PubMed 24728327.

NM_003482.4(KMT2D):c.6812C>T (p.Pro2271Leu)

Gene: KMT2D (lysine methyltransferase 2D; minus strand). Cytogenetic location: 12q13.12.
Variant type: single nucleotide variant.
Coding change: c.6812C>T on transcript NM_003482.4 (MANE Select); coding-DNA position 6812, C replaced by T.
Protein change: p.Pro2271Leu; replaces proline 2271 with leucine.
Molecular consequence: missense variant.
Genome position (GRCh38, 1-based): chr12:49,040,958, G>A on the plus strand (C>T on the coding strand, the complement: KMT2D is on the minus strand). VCF-style: chr12-49040958-G-A. GRCh37 (hg19) VCF-style: chr12-49434741-G-A.
Other names: short protein forms P2271L.
Identifiers: ClinVar variation 134690 (VCV000134690.1), dbSNP rs587778465, ClinGen allele CA160547.